The following is an entry in ClinVar:

NC_012920.1(MT-ND6):m.14670T>C

Gene: MT-ND6 (mitochondrially encoded NADH dehydrogenase 6; minus strand).
Variant type: single nucleotide variant.
Genome position: chrM-14670-T-C.
Identifiers: ClinVar variation 693752 (VCV000693752.1), dbSNP rs1603224824, ClinGen allele CA414823528.
Genomic context (GRCh38, chrMT:14,670, plus strand): 5'-TAGAAGAAAACCCCACAAACCCCATTACTAAACCCACACTCAACAGAAACAAAGCATACA[T>C]CATTATTCTCGCACGGACTACAACCACGACCAATGATATGAAAAACCATCGTTGTATTTC-3'

ClinVar aggregate classification (germline): Uncertain significance (1 of 4 stars; one submission).

Conditions:
Leigh syndrome (NULS). Also called: Leigh's necrotizing encephalopathy; Leigh's disease; Leigh's syndrome; LEIGH SYNDROME, NUCLEAR; Leigh Syndrome (mtDNA deletion); Leigh Disease. Identifiers: Orphanet 506, MedGen C2931891, MONDO:0009723, OMIM 256000.

Submission:

Wong Mito Lab, Molecular and Human Genetics, Baylor College of Medicine
Classification: Uncertain significance for Leigh syndrome. Last evaluated: 2019-10-17. Review status: criteria provided, single submitter. Criteria: Modified ACMG Guidelines (Unpublished). Collection method: clinical testing. Allele origin: germline.
Comment: The NC_012920.1:m.14670T>C (YP_003024037.1:p.Met2Val) variant in MTND6 gene is interpretated to be a Uncertain Significance variant based on the modified ACMG guidelines (unpublished). This variant meets the following evidence codes: BP4